The following is an entry in ClinVar:

NC_000023.10:g.(32841505_32862899)_(33229667_?)dup

Gene: DMD (dystrophin; minus strand). Cytogenetic location: Xp21.1.
Variant type: Duplication.
Identifiers: ClinVar variation 4689577 (VCV004689577.1).

ClinVar aggregate classification (germline): Uncertain significance (1 of 4 stars; one submission).

Submission:

Women's Health and Genetics/Laboratory Corporation of America, LabCorp
Classification: Uncertain significance. Last evaluated: 2026-01-07. Review status: criteria provided, single submitter. Criteria: LabCorp Variant Classification Summary - May 2015. Collection method: clinical testing. Allele origin: germline.
Comment: Variant summary: The variant involves the duplication of exons 1-4 in the DMD gene. A presumed nomenclature of c.(?_-238)_(264+1_265-1)dup has been designated for the purposes of this classification. The exact breakpoint at the 5' end of this variant is unknown, therefore this duplication may extend upstream of the annotated region of this gene. It is predicted to duplicate a segment including the initiation codon, therefore its impact on the encoded protein is unknown. A similar copy number gain was found at a frequency of 0.00025 in 16119 control chromosomes, including 4 hemizygotes, however it cannot be determined if the 5' breakpoint of the present duplication was equivalent to the control data. The available data on variant occurrences in the general population are insufficient to allow any conclusion about variant significance. To our knowledge, no occurrence of similar copy number gains in individuals affected with DMD-related conditions and no experimental evidence demonstrating impact on protein function have been reported. The following publications have been ascertained in the context of this evaluation (PMID: 38297315, 31896777, 19730022, 21515508). A similar copy number variant has been submitted to ClinVar (Variation ID: 832432). Based on the evidence outlined above, the variant was classified as uncertain significance.

Literature cited by the submitters: PubMed 21515508; PubMed 38297315; PubMed 31896777; PubMed 19730022.